The following is an entry in ClinVar:

NM_198578.4(LRRK2):c.4160A>T (p.Asp1387Val)

Gene: LRRK2 (leucine rich repeat kinase 2; plus strand). Cytogenetic location: 12q12.
Variant type: single nucleotide variant.
Coding change: c.4160A>T on transcript NM_198578.4 (MANE Select); coding-DNA position 4160, A replaced by T.
Protein change: p.Asp1387Val; replaces aspartic acid 1387 with valine.
Molecular consequence: missense variant.
Genome position (GRCh38, 1-based): chr12:40,308,667, A>T. VCF-style: chr12-40308667-A-T. GRCh37 (hg19) VCF-style: chr12-40702469-A-T.
Other names: short protein forms D1387V.
Identifiers: ClinVar variation 3292052 (VCV003292052.1).

ClinVar aggregate classification (germline): Uncertain significance (1 of 4 stars; one submission).

Conditions:
Inborn genetic diseases. Identifiers: MedGen C0950123, MeSH D030342.

Submission:

Ambry Genetics
Classification: Uncertain significance for Inborn genetic diseases. Last evaluated: 2024-06-03. Review status: criteria provided, single submitter. Criteria: Ambry Variant Classification Scheme 2023. Collection method: clinical testing. Allele origin: germline.
Comment: The p.D1387V variant (also known as c.4160A>T), located in coding exon 29 of the LRRK2 gene, results from an A to T substitution at nucleotide position 4160. The aspartic acid at codon 1387 is replaced by valine, an amino acid with highly dissimilar properties. This amino acid position is conserved. In addition, the in silico prediction for this alteration is inconclusive. Based on the available evidence, the clinical significance of this variant remains unclear.